The following is an entry in ClinVar:

NM_020433.5(JPH2):c.1358C>T (p.Pro453Leu)

Gene: JPH2 (junctophilin 2; minus strand). Cytogenetic location: 20q13.12.
Variant type: single nucleotide variant.
Coding change: c.1358C>T on transcript NM_020433.5 (MANE Select); coding-DNA position 1358, C replaced by T.
Protein change: p.Pro453Leu; replaces proline 453 with leucine.
Molecular consequence: missense variant.
Genome position (GRCh38, 1-based): chr20:44,116,317, G>A on the plus strand (C>T on the coding strand, the complement: JPH2 is on the minus strand). VCF-style: chr20-44116317-G-A. GRCh37 (hg19) VCF-style: chr20-42744957-G-A.
Other names: short protein forms P453L.
Identifiers: ClinVar variation 4883730 (VCV004883730.2).

ClinVar aggregate classification (germline): Uncertain significance (1 of 4 stars; one submission).

Submission:

Dasa
Classification: Uncertain significance. Last evaluated: 2025-06-13. Review status: criteria provided, single submitter. Criteria: DASA Assertion Criteria. Collection method: clinical testing. Allele origin: germline.
Comment: NM_020433.5(JPH2):c.1358C>T (p.Pro453Leu) is a missense variant that results in the substitution of proline with leucine. This variant is absent from population databases. Computational prediction algorithms are consistent with a benign effect. The currently available literature and clinical evidence are not sufficient to establish a definitive association between this variant and the reported condition. Therefore, this variant is classified as a variant of uncertain significance.